The following is an entry in ClinVar:

ClinVar aggregate classification (germline): Uncertain significance (1 of 4 stars; one submission).

Allele frequency attached by ClinVar (database versions not stated): gnomAD 0.00001; TOPMed 0.00002.
gnomAD v4.1: 2 of 1,613,964 alleles (0.00012%); highest among the groups gnomAD compares: African/African-American, 0.0027%; no homozygotes.

Submission:

Ambry Genetics
Classification: Uncertain significance. Last evaluated: 2021-11-29. Review status: criteria provided, single submitter. Criteria: Ambry Variant Classification Scheme 2023. Collection method: clinical testing. Allele origin: germline.
Comment: The p.S406A variant (also known as c.1216T>G), located in coding exon 11 of the A2ML1 gene, results from a T to G substitution at nucleotide position 1216. The serine at codon 406 is replaced by alanine, an amino acid with similar properties. This amino acid position is conserved. In addition, this alteration is predicted to be tolerated by in silico analysis. Since supporting evidence is limited at this time, the clinical significance of this alteration remains unclear.

NM_144670.6(A2ML1):c.1216T>G (p.Ser406Ala)

Gene: A2ML1 (alpha-2-macroglobulin like 1; plus strand). Cytogenetic location: 12p13.31.
Variant type: single nucleotide variant.
Coding change: c.1216T>G on transcript NM_144670.6 (MANE Select); coding-DNA position 1216, T replaced by G.
Protein change: p.Ser406Ala; replaces serine 406 with alanine.
Molecular consequence: missense variant.
Genome position (GRCh38, 1-based): chr12:8,841,504, T>G. VCF-style: chr12-8841504-T-G. GRCh37 (hg19) VCF-style: chr12-8994100-T-G.
Other names: short protein forms S406A.
Identifiers: ClinVar variation 1751831 (VCV001751831.2), dbSNP rs776214499, ClinGen allele CA383824744.